The following is an entry in ClinVar:

ClinVar aggregate classification (germline): Uncertain significance (1 of 4 stars; one submission).

Submission:

Labcorp Genetics (formerly Invitae), Labcorp
Classification: Uncertain significance. Last evaluated: 2023-08-10. Review status: criteria provided, single submitter. Criteria: Invitae Variant Classification Sherloc (09022015). Collection method: clinical testing. Allele origin: germline.
Comment: This sequence change replaces alanine, which is neutral and non-polar, with asparagine, which is neutral and polar, at codon 725 of the CSF2RB protein (p.Ala725Asn). Information on the frequency of this variant in the gnomAD database is not available, as this variant may be reported differently in the database. This variant has not been reported in the literature in individuals affected with CSF2RB-related conditions. ClinVar contains an entry for this variant (Variation ID: 1927514). An algorithm developed to predict the effect of missense changes on protein structure and function (PolyPhen-2) suggests that this variant is likely to be disruptive. In summary, the available evidence is currently insufficient to determine the role of this variant in disease. Therefore, it has been classified as a Variant of Uncertain Significance.

NM_000395.3(CSF2RB):c.2173_2174delinsAA (p.Ala725Asn)

Gene: CSF2RB (colony stimulating factor 2 receptor subunit beta; plus strand). Cytogenetic location: 22q12.3.
Variant type: Indel.
Coding change: c.2173_2174delinsAA on transcript NM_000395.3 (MANE Select); coding-DNA positions 2173 to 2174, GC replaced by AA.
Protein change: p.Ala725Asn; replaces alanine 725 with asparagine.
Molecular consequence: missense variant.
Genome position (GRCh38, 1-based): chr22:36,937,981-36,937,982, GC replaced by AA. VCF-style: chr22-36937981-GC-AA. GRCh37 (hg19) VCF-style: chr22-37334023-GC-AA.
Other names: c.2191_2192delGCinsAA, p.Ala731Asn (NM_001410827.1); short protein forms A731N, A725N.
Identifiers: ClinVar variation 1927514 (VCV001927514.5), dbSNP rs2518010324, ClinGen allele CA2580099773.
Genomic context (GRCh38, chr22:36,937,981, plus strand): 5'-CCTGGAGTGGCCTCTGGTTATGTCTCCTCTGCAGACCTGGTATTCACCCCAAACTCAGGG[GC>AA]CTCGTCTGTCTCCCTAGTTCCCTCTCTGGGCCTCCCCTCAGACCAGACCCCCAGCTTATG-3'
Protein context (NP_000386.1, residues 715-735): ADLVFTPNSG[Ala725Asn]SSVSLVPSLG